The following is an entry in ClinVar:

NM_001365536.1(SCN9A):c.5946_5947del (p.Asp1982fs)

Genes: SCN9A (sodium voltage-gated channel alpha subunit 9; minus strand), SCN1A-AS1 (SCN1A and SCN9A antisense RNA 1; plus strand). Cytogenetic location: 2q24.3.
Variant type: Deletion.
Coding change: c.5946_5947del on transcript NM_001365536.1 (MANE Select); coding-DNA positions 5946 to 5947, 2 bases deleted (CA; older notation c.5946_5947delCA).
Protein change: p.Asp1982fs; shifts the reading frame from aspartic acid 1982.
Molecular consequence: frameshift variant.
Genome position (GRCh38, 1-based): chr2:166,198,692-166,198,693, TG deleted on the plus strand (CA on the coding strand, the reverse complement: SCN9A is on the minus strand); deleting any 2 consecutive bases within chr2:166,198,692-166,198,694 gives the same sequence; the c. name uses the placement nearest the transcript's 3' end. VCF-style (leftmost placement, unchanged base first): chr2-166198691-CTG-C. GRCh37 (hg19) VCF-style: chr2-167055201-CTG-C.
Other names: c.5913_5914delCA (NM_002977.3); c.5913_5914del, p.Asp1971fs (NM_002977.4); short protein forms D1971fs, D1982fs.
Identifiers: ClinVar variation 3752652 (VCV003752652.3).
Genomic context (GRCh38, chr2:166,198,691, plus strand): 5'-TCACTTTCACAGGCTGTAAACAATATATCAAAAATGAAGCTCTATTTTTTGCTTTCCTTG[CTG>C]TCTTTCCCTTTGTCTTCCTTTTCTGTTCTGTCTTGTTCATATTTCTCTTTGTCTGGCTTT-3'

ClinVar aggregate classification (germline): Uncertain significance. Review status: criteria provided, multiple submitters, no conflicts (2 of 4 stars). 2 submissions from 2 submitters: Uncertain significance (2). Last evaluated 2025-12-30.

Conditions:
Neuropathy, hereditary sensory and autonomic, type 2A (HSAN2A). Also called: ACROOSTEOLYSIS, GIACCAI TYPE; ACROOSTEOLYSIS, NEUROGENIC; WNK1-Related HSAN2 (HSAN2A); MORVAN DISEASE; NEUROPATHY, CONGENITAL SENSORY; NEUROPATHY, HEREDITARY SENSORY RADICULAR, AUTOSOMAL RECESSIVE. Identifiers: Orphanet 970, MedGen C2752089, MONDO:0024309, OMIM 201300.
Generalized epilepsy with febrile seizures plus, type 7 (GEFSP7). Also called: GEFS+, TYPE 7. Identifiers: Orphanet 36387, MedGen C2751778, MONDO:0013470, OMIM 613863.

Submissions (2):

Women's Health and Genetics/Laboratory Corporation of America, LabCorp
Classification: Uncertain significance. Last evaluated: 2025-12-30. Review status: criteria provided, single submitter. Criteria: LabCorp Variant Classification Summary - May 2015. Collection method: clinical testing. Allele origin: germline.
Comment: Variant summary: SCN9A c.5913_5914delCA (p.Asp1971GlufsX12) causes a frameshift which results in an extension of the protein. The variant allele was found at a frequency of 4.3e-06 in 234150 control chromosomes. The available data on variant occurrences in the general population are insufficient to allow any conclusion about variant significance. To our knowledge, no occurrence of c.5913_5914delCA in individuals affected with SCN9A-related conditions and no experimental evidence demonstrating its impact on protein function have been reported. ClinVar contains an entry for this variant (Variation ID: 3752652). Based on the evidence outlined above, the variant was classified as uncertain significance.

Labcorp Genetics (formerly Invitae), Labcorp
Classification: Uncertain significance for Neuropathy, hereditary sensory and autonomic, type 2A; Generalized epilepsy with febrile seizures plus, type 7. Last evaluated: 2024-11-12. Review status: criteria provided, single submitter. Criteria: Invitae Variant Classification Sherloc (09022015). Collection method: clinical testing. Allele origin: germline.
Comment: This sequence change results in a frameshift in the SCN9A gene (p.Asp1971Glufs*12). While this is not anticipated to result in nonsense mediated decay, it is expected to disrupt the last 7 amino acid(s) of the SCN9A protein and extend the protein by 4 additional amino acid residues. This variant is present in population databases (no rsID available, gnomAD 0.004%). This variant has not been reported in the literature in individuals affected with SCN9A-related conditions. Experimental studies and prediction algorithms are not available or were not evaluated, and the functional significance of this variant is currently unknown. In summary, the available evidence is currently insufficient to determine the role of this variant in disease. Therefore, it has been classified as a Variant of Uncertain Significance.